The following is an entry in ClinVar:

NM_001083962.2(TCF4):c.1244del (p.His415fs)

Gene: TCF4 (transcription factor 4; minus strand). Cytogenetic location: 18q21.2.
Variant type: Deletion.
Coding change: c.1244del on transcript NM_001083962.2 (MANE Select); coding-DNA position 1244, one base deleted (A; older notation c.1244delA).
Protein change: p.His415fs; shifts the reading frame from histidine 415.
Molecular consequence: frameshift variant.
Genome position (GRCh38, 1-based): chr18:55,254,603, T deleted on the plus strand (A on the coding strand, the reverse complement: TCF4 is on the minus strand). VCF-style (leftmost placement, unchanged base first): chr18-55254602-AT-A. GRCh37 (hg19) VCF-style: chr18-52921833-AT-A.
Other names: c.1550del, p.His517fs (NM_001243226.3); c.1172del, p.His391fs (NM_001243227.2, NM_001306207.1, NM_001348217.1 and 5 more transcripts); c.1262del, p.His421fs (NM_001243228.2); c.1235del, p.His412fs (NM_001243230.2); c.1118del, p.His373fs (NM_001243231.2, NM_001348211.2); c.1031del, p.His344fs (NM_001243232.1, NM_001306208.1); c.854del, p.His285fs (NM_001243233.2, NM_001330605.3, NM_001348212.2 and 1 more transcripts); c.764del, p.His255fs (NM_001243234.2, NM_001243235.2, NM_001243236.2 and 1 more transcripts); and 6 more; short protein forms H199fs, H254fs, H414fs, H421fs, H391fs, H255fs, H373fs, H390fs.
Identifiers: ClinVar variation 817830 (VCV000817830.1), dbSNP rs1600290109, ClinGen allele CA915951557.
Genomic context (GRCh38, chr18:55,254,602, plus strand): 5'-TGAGCCCAGACCACCCATGGCTCCATTATGAGAAGGTCCAATGATTCCATGCATGTCCCC[AT>A]GACCACCAGGCATAGCTGTGGATGGGCCCACTGCATGGTTCCGGAGAACATGAATAGCAT-3'

ClinVar aggregate classification (germline): Pathogenic (1 of 4 stars; one submission).

Submission:

GeneDx
Classification: Pathogenic. Last evaluated: 2019-08-15. Review status: criteria provided, single submitter. Criteria: GeneDx Variant Classification (06012015). Collection method: clinical testing. Allele origin: germline. Affected: yes.
Comment: The c.1244delA variant in the TCF4 gene has not been reported previously as a pathogenic variant nor as a benign variant, to our knowledge. The c.1244delA variant causes a frameshift starting with codon Histidine 415, changes this amino acid to a Leucine residue, and creates a premature Stop codon at position 47 of the new reading frame, denoted p.His415LeufsX47. This variant is predicted to cause loss of normal protein function either through protein truncation or nonsense-mediated mRNA decay. The c.1244delA variant is not observed in large population cohorts (Lek et al., 2016). We interpret c.1244delA as a pathogenic variant.